The following is an entry in ClinVar:

NM_016562.4(TLR7):c.583A>T (p.Ile195Leu)

Gene: TLR7 (toll like receptor 7; plus strand). Cytogenetic location: Xp22.2.
Variant type: single nucleotide variant.
Coding change: c.583A>T on transcript NM_016562.4 (MANE Select); coding-DNA position 583, A replaced by T.
Protein change: p.Ile195Leu; replaces isoleucine 195 with leucine.
Molecular consequence: missense variant.
Genome position (GRCh38, 1-based): chrX:12,886,091, A>T. VCF-style: chrX-12886091-A-T. GRCh37 (hg19) VCF-style: chrX-12904210-A-T.
Other names: short protein forms I195L.
Identifiers: ClinVar variation 3675013 (VCV003675013.2).

ClinVar aggregate classification (germline): Uncertain significance (1 of 4 stars; one submission).

gnomAD v4.1: 8 of 1,211,311 alleles (0.00066%); highest among the groups gnomAD compares: Non-Finnish European, 0.00089%; no homozygotes.

Submission:

Labcorp Genetics (formerly Invitae), Labcorp
Classification: Uncertain significance. Last evaluated: 2024-03-28. Review status: criteria provided, single submitter. Criteria: Invitae Variant Classification Sherloc (09022015). Collection method: clinical testing. Allele origin: germline.
Comment: This sequence change replaces isoleucine, which is neutral and non-polar, with leucine, which is neutral and non-polar, at codon 195 of the TLR7 protein (p.Ile195Leu). This variant is not present in population databases (gnomAD no frequency). This variant has not been reported in the literature in individuals affected with TLR7-related conditions. An algorithm developed to predict the effect of missense changes on protein structure and function (PolyPhen-2) suggests that this variant is likely to be tolerated. In summary, the available evidence is currently insufficient to determine the role of this variant in disease. Therefore, it has been classified as a Variant of Uncertain Significance.